The following is an entry in ClinVar:

NM_145239.3(PRRT2):c.607C>T (p.Pro203Ser)

Genes: MVP-DT (MVP divergent transcript; minus strand), PRRT2 (proline rich transmembrane protein 2; plus strand). Cytogenetic location: 16p11.2.
Variant type: single nucleotide variant.
Coding change: c.607C>T on transcript NM_145239.3 (MANE Select); coding-DNA position 607, C replaced by T.
Protein change: p.Pro203Ser; replaces proline 203 with serine.
Molecular consequence: missense variant.
Genome position (GRCh38, 1-based): chr16:29,813,661, C>T. VCF-style: chr16-29813661-C-T. GRCh37 (hg19) VCF-style: chr16-29824982-C-T.
Other names: c.607C>T, p.Pro203Ser (NM_001256442.2, NM_001256443.2, NM_001438120.1 and 2 more transcripts); short protein forms P203S.
Identifiers: ClinVar variation 4803066 (VCV004803066.1).
Genomic context (GRCh38, chr16:29,813,661, plus strand): 5'-GCAGTGGTGCCCCTGCAGGCTGGTGATGGGGAAGAGGGCCCAGCCCCTGAGCCTCACTCA[C>T]CACCCTCAAAAAAATCCCCCCCAGCCAATGGGGCCCCCCCCCGAGTGCTGCAGCAGCTGG-3'
Protein context (NP_660282.2, residues 193-213): EEGPAPEPHS[Pro203Ser]PSKKSPPANG

ClinVar aggregate classification (germline): Uncertain significance (1 of 4 stars; one submission).

Conditions:
Episodic kinesigenic dyskinesia (EKD). Also called: Paroxysmal kinesigenic dyskinesia. Identifiers: Orphanet 98809, MedGen C1868682, MONDO:0044202.

Submission:

Labcorp Genetics (formerly Invitae), Labcorp
Classification: Uncertain significance for Episodic kinesigenic dyskinesia. Last evaluated: 2025-02-11. Review status: criteria provided, single submitter. Criteria: Invitae Variant Classification Sherloc (09022015). Collection method: clinical testing. Allele origin: germline.
Comment: This sequence change replaces proline, which is neutral and non-polar, with serine, which is neutral and polar, at codon 203 of the PRRT2 protein (p.Pro203Ser). This variant is present in population databases (rs768007930, gnomAD 0.01%). This variant has not been reported in the literature in individuals affected with PRRT2-related conditions. Invitae Evidence Modeling of protein sequence and biophysical properties (such as structural, functional, and spatial information, amino acid conservation, physicochemical variation, residue mobility, and thermodynamic stability) indicates that this missense variant is not expected to disrupt PRRT2 protein function with a negative predictive value of 95%. In summary, the available evidence is currently insufficient to determine the role of this variant in disease. Therefore, it has been classified as a Variant of Uncertain Significance.